The following is an entry in ClinVar:

ClinVar aggregate classification (germline): Uncertain significance (1 of 4 stars; one submission).

gnomAD v4.1: 9 of 1,535,558 alleles (0.00059%); highest among the groups gnomAD compares: Non-Finnish European, 0.00081%; no homozygotes.

Submission:

Labcorp Genetics (formerly Invitae), Labcorp
Classification: Uncertain significance. Last evaluated: 2024-12-15. Review status: criteria provided, single submitter. Criteria: Invitae Variant Classification Sherloc (09022015). Collection method: clinical testing. Allele origin: germline.
Comment: This sequence change replaces threonine, which is neutral and polar, with alanine, which is neutral and non-polar, at codon 1303 of the LRPPRC protein (p.Thr1303Ala). This variant is present in population databases (rs770077520, gnomAD 0.0009%). This variant has not been reported in the literature in individuals affected with LRPPRC-related conditions. Invitae Evidence Modeling of protein sequence and biophysical properties (such as structural, functional, and spatial information, amino acid conservation, physicochemical variation, residue mobility, and thermodynamic stability) indicates that this missense variant is not expected to disrupt LRPPRC protein function with a negative predictive value of 80%. In summary, the available evidence is currently insufficient to determine the role of this variant in disease. Therefore, it has been classified as a Variant of Uncertain Significance.

NM_133259.4(LRPPRC):c.3907A>G (p.Thr1303Ala)

Gene: LRPPRC (leucine rich pentatricopeptide repeat containing; minus strand). Cytogenetic location: 2p21.
Variant type: single nucleotide variant.
Coding change: c.3907A>G on transcript NM_133259.4 (MANE Select); coding-DNA position 3907, A replaced by G.
Protein change: p.Thr1303Ala; replaces threonine 1303 with alanine.
Molecular consequence: missense variant.
Genome position (GRCh38, 1-based): chr2:43,894,623, T>C on the plus strand (A>G on the coding strand, the complement: LRPPRC is on the minus strand). VCF-style: chr2-43894623-T-C. GRCh37 (hg19) VCF-style: chr2-44121762-T-C.
Other names: short protein forms T1303A.
Identifiers: ClinVar variation 3730227 (VCV003730227.2).